The following is an entry in ClinVar:

ClinVar aggregate classification (germline): Uncertain significance. Review status: criteria provided, single submitter (1 of 4 stars). 2 submissions from 2 submitters: Uncertain significance (1). 1 of the submissions does not count toward it. Last evaluated 2024-04-25.

Conditions:
ALBUMIN NAGASAKI 2.

Allele frequency attached by ClinVar (database versions not stated): gnomAD exomes 0.00006; ExAC 0.00008; 1000 Genomes Project 30x 0.00016; gnomAD 0.00016; 1000 Genomes Project 0.00020; TOPMed 0.00026.

Submissions (2):

Labcorp Genetics (formerly Invitae), Labcorp
Classification: Uncertain significance. Last evaluated: 2024-04-25. Review status: criteria provided, single submitter. Criteria: Invitae Variant Classification Sherloc (09022015). Collection method: clinical testing. Allele origin: germline.
Comment: This sequence change replaces aspartic acid, which is acidic and polar, with asparagine, which is neutral and polar, at codon 399 of the ALB protein (p.Asp399Asn). This variant is present in population databases (rs77514449, gnomAD 0.05%). This variant has not been reported in the literature in individuals affected with ALB-related conditions. ClinVar contains an entry for this variant (Variation ID: 18199). Advanced modeling of protein sequence and biophysical properties (such as structural, functional, and spatial information, amino acid conservation, physicochemical variation, residue mobility, and thermodynamic stability) performed at Invitae indicates that this missense variant is expected to disrupt ALB protein function with a positive predictive value of 80%. In summary, the available evidence is currently insufficient to determine the role of this variant in disease. Therefore, it has been classified as a Variant of Uncertain Significance.

OMIM
Classification: other for ALBUMIN NAGASAKI 2. Last evaluated: 2019-07-18. Review status: no assertion criteria provided. Collection method: literature only. Allele origin: germline. Not counted in ClinVar's aggregate classification.

Literature cited by the submitters: PubMed 3474609 (cited by OMIM); PubMed 2564675 (cited by OMIM).

NM_000477.7(ALB):c.1195G>A (p.Asp399Asn)

Gene: ALB (albumin; plus strand). Cytogenetic location: 4q13.3.
Variant type: single nucleotide variant.
Coding change: c.1195G>A on transcript NM_000477.7 (MANE Select); coding-DNA position 1195, G replaced by A.
Protein change: p.Asp399Asn; replaces aspartic acid 399 with asparagine.
Molecular consequence: missense variant.
Genome position (GRCh38, 1-based): chr4:73,416,259, G>A. VCF-style: chr4-73416259-G-A. GRCh37 (hg19) VCF-style: chr4-74281976-G-A.
Other names: D375N; short protein forms D399N.
Identifiers: ClinVar variation 18199 (VCV000018199.6), dbSNP rs77514449, ClinGen allele CA127906.